The following is an entry in ClinVar:

NM_001267550.2(TTN):c.78283C>G (p.Pro26095Ala)

Genes: TTN (titin; minus strand), TTN-AS1 (TTN antisense RNA 1; plus strand). Cytogenetic location: 2q31.2.
Variant type: single nucleotide variant.
Coding change: c.78283C>G on transcript NM_001267550.2 (MANE Select); coding-DNA position 78283, C replaced by G.
Protein change: p.Pro26095Ala; replaces proline 26095 with alanine.
Molecular consequence: missense variant.
Genome position (GRCh38, 1-based): chr2:178,567,849, G>C on the plus strand (C>G on the coding strand, the complement: TTN is on the minus strand). VCF-style: chr2-178567849-G-C. GRCh37 (hg19) VCF-style: chr2-179432576-G-C.
Other names: c.73360C>G, p.Pro24454Ala (NM_001256850.1); c.51088C>G, p.Pro17030Ala (NM_003319.4); c.70579C>G, p.Pro23527Ala (NM_133378.4); c.51463C>G, p.Pro17155Ala (NM_133432.3); c.51664C>G, p.Pro17222Ala (NM_133437.4); short protein forms P17030A, P17155A, P17222A, P23527A, P24454A, P26095A.
Identifiers: ClinVar variation 2437872 (VCV002437872.7), dbSNP rs912485960, ClinGen allele CA60991529.

ClinVar aggregate classification (germline): Uncertain significance. Review status: criteria provided, multiple submitters, no conflicts (2 of 4 stars). 4 submissions from 4 submitters: Uncertain significance (4). Last evaluated 2026-03-02.

Conditions:
TTN-related disorder. Also called: TTN-related condition; TTN-related disease; TTN-related disorders.

Allele frequency attached by ClinVar (database versions not stated): gnomAD exomes 0.00001; gnomAD 0.00006; TOPMed 0.00015.
gnomAD v4.1: 17 of 1,613,320 alleles (0.0011%); highest among the groups gnomAD compares: Admixed American, 0.025%; no homozygotes.

Submissions (4):

PreventionGenetics, part of Exact Sciences
Classification: Uncertain significance for TTN-related condition. Last evaluated: 2026-03-02. Review status: criteria provided, single submitter. Criteria: ACMG Guidelines, 2015. Collection method: clinical testing. Allele origin: germline.
Comment: The TTN c.78283C>G variant is predicted to result in the amino acid substitution p.Pro26095Ala. This variant has been reported in at least one individual with hypertrophic cardiomyopathy (described as NM_133378:c.70579C>G p.Pro23527Ala, Mademont-Soler et al. 2017. PubMed ID: 28771489; Campuzano et al. 2015. PubMed ID: 26516846; Martínez-Barrios et al. 2022. PubMed ID: 35207729). This variant is reported in 0.0029% of alleles in individuals of Latino descent in gnomAD. At this time, the clinical significance of this variant is uncertain due to the absence of conclusive functional and genetic evidence.

Women's Health and Genetics/Laboratory Corporation of America, LabCorp
Classification: Uncertain significance. Last evaluated: 2024-11-29. Review status: criteria provided, single submitter. Criteria: LabCorp Variant Classification Summary - May 2015. Collection method: clinical testing. Allele origin: germline.
Comment: Variant summary: TTN c.70579C>G (p.Pro23527Ala), corresponding to c.78283C>G (p.Pro26095Ala) in NM_001267550, results in a non-conservative amino acid change located in the A band of the encoded protein sequence. Five of five in-silico tools predict a damaging effect of the variant on protein function. The variant allele was found at a frequency of 4e-06 in 248792 control chromosomes. The available data on variant occurrences in the general population are insufficient to allow any conclusion about variant significance. c.70579C>G has been reported in the literature in at least one individual affected with Hypertrophic Cardiomyopathy (e.g. Campuzano_2015, Mademont-Soler_2017, Martinez-Barrios_2022). These report(s) do not provide unequivocal conclusions about association of the variant with Dilated Cardiomyopathy. To our knowledge, no experimental evidence demonstrating an impact on protein function has been reported. The following publications have been ascertained in the context of this evaluation (PMID: 26516846, 28771489, 35207729). ClinVar contains an entry for this variant (Variation ID: 2437872). Based on the evidence outlined above, the variant was classified as uncertain significance.

Athena Diagnostics
Classification: Uncertain significance. Last evaluated: 2023-06-15. Review status: criteria provided, single submitter. Criteria: Athena Diagnostics Criteria. Collection method: clinical testing. Allele origin: unknown.
Comment: Available data are insufficient to determine the clinical significance of the variant at this time. The frequency of this variant in the general population is higher than would generally be expected for pathogenic variants in this gene. Computational tools disagree on the variant's effect on normal protein function.

Revvity Omics, Revvity
Classification: Uncertain significance. Last evaluated: 2019-06-27. Review status: criteria provided, single submitter. Criteria: ACMG Guidelines, 2015. Collection method: clinical testing. Allele origin: germline.

Literature cited by the submitters: PubMed 28771489 (cited by Women's Health and Genetics/Laboratory Corporation of America, LabCorp); PubMed 26516846 (cited by Women's Health and Genetics/Laboratory Corporation of America, LabCorp); PubMed 35207729 (cited by Women's Health and Genetics/Laboratory Corporation of America, LabCorp and Athena Diagnostics).